The following is an entry in ClinVar:

NM_001374385.1(ATP8B1):c.1429+2T>G

Gene: ATP8B1 (ATPase phospholipid transporting 8B1; minus strand). Cytogenetic location: 18q21.31.
Variant type: single nucleotide variant.
Coding change: c.1429+2T>G on transcript NM_001374385.1 (MANE Select); the canonical splice donor site of the intron after coding-DNA position 1429, T replaced by G.
Molecular consequence: splice donor variant.
Genome position (GRCh38, 1-based): chr18:57,688,297, A>C on the plus strand (T>G on the coding strand, the complement: ATP8B1 is on the minus strand). VCF-style: chr18-57688297-A-C. GRCh37 (hg19) VCF-style: chr18-55355529-A-C.
Other names: c.1429+2T>G (NM_005603.6); c.1279+2T>G (NM_001374386.1).
Identifiers: ClinVar variation 4846580 (VCV004846580.1).

ClinVar aggregate classification (germline): Pathogenic (1 of 4 stars; one submission).

Conditions:
Familial intrahepatic cholestasis. Identifiers: Orphanet 284385, MedGen CN296401, MONDO:0017290.

Submission:

Genomenon, Inc
Classification: Pathogenic for Familial intrahepatic cholestasis. Last evaluated: 2026-04-14. Review status: criteria provided, single submitter. Criteria: Genomenon Sequence Variant Interpretation Standards - Updated. Collection method: curation. Allele origin: germline. Affected: yes.
Comment: ATP8B1 c.1429+2T>G is a canonical splice variant affecting the donor splice site of intron 13. It is predicted to affect mRNA splicing, leading to a deleterious effect on the ATP8B1 protein. This variant has been observed in at least one proband with features of ATP8B1-deficiency (PMID:35572954). It is absent or not present at a significant frequency in gnomAD. In conclusion, we classify ATP8B1 c.1429+2T>G as a pathogenic variant.

Literature cited by the submitters: PubMed 35572954.